The following is an entry in ClinVar:

ClinVar aggregate classification (germline): Uncertain significance (1 of 4 stars; one submission).

Conditions:
Anauxetic dysplasia. Identifiers: Orphanet 93347, MedGen C1846796, MONDO:0011773.

Submission:

Labcorp Genetics (formerly Invitae), Labcorp
Classification: Uncertain significance for Anauxetic dysplasia. Last evaluated: 2024-07-08. Review status: criteria provided, single submitter. Criteria: Invitae Variant Classification Sherloc (09022015). Collection method: clinical testing. Allele origin: germline.
Comment: This variant occurs in the RMRP gene, which encodes an RNA molecule that does not result in a protein product. This variant is not present in population databases (gnomAD no frequency). This variant has not been reported in the literature in individuals affected with RMRP-related conditions. Experimental studies and prediction algorithms are not available or were not evaluated, and the functional significance of this variant is currently unknown. In summary, the available evidence is currently insufficient to determine the role of this variant in disease. Therefore, it has been classified as a Variant of Uncertain Significance.

NR_003051.4(RMRP):n.166C>G

Gene: RMRP (RNA component of mitochondrial RNA processing endoribonuclease; minus strand). Cytogenetic location: 9p13.3.
Variant type: single nucleotide variant.
Molecular consequence: non-coding transcript variant (on NR_003051.4).
Genome position: GRCh38 VCF-style: chr9-35657854-G-C. GRCh37 (hg19) VCF-style: chr9-35657851-G-C.
Identifiers: ClinVar variation 3621390 (VCV003621390.2).